The following is an entry in ClinVar:

NM_001122955.4(BSCL2):c.422C>T (p.Ser141Phe)

Genes: BSCL2 (BSCL2 lipid droplet biogenesis associated, seipin; minus strand), HNRNPUL2-BSCL2 (HNRNPUL2-BSCL2 readthrough (NMD candidate); minus strand). Cytogenetic location: 11q12.3.
Variant type: single nucleotide variant.
Coding change: c.422C>T on transcript NM_001122955.4 (MANE Select); coding-DNA position 422, C replaced by T.
Protein change: p.Ser141Phe; replaces serine 141 with phenylalanine.
Molecular consequence: missense variant. On other transcripts: non-coding transcript variant (1).
Genome position (GRCh38, 1-based): chr11:62,702,532, G>A on the plus strand (C>T on the coding strand, the complement: BSCL2 is on the minus strand). VCF-style: chr11-62702532-G-A. GRCh37 (hg19) VCF-style: chr11-62470004-G-A.
Other names: c.230C>T, p.Ser77Phe (NM_001130702.2, NM_032667.6); c.422C>T, p.Ser141Phe (NM_001386027.1, NM_001386028.1); short protein forms S77F, S141F.
Identifiers: ClinVar variation 805502 (VCV000805502.7), dbSNP rs1590881708, ClinGen allele CA380968650.

ClinVar aggregate classification (germline): Uncertain significance. Review status: criteria provided, multiple submitters, no conflicts (2 of 4 stars). 3 submissions from 3 submitters: Uncertain significance (3). Last evaluated 2026-05-26.

Conditions:
Charcot-Marie-Tooth disease type 2. Also called: Charcot-Marie-Tooth type 2. Identifiers: Orphanet 64746, MedGen C0270914, MONDO:0018993.
BSCL2-related disorder. Also called: BSCL2-related condition; BSCL2-Related Disorders.

Submissions (3):

PreventionGenetics, part of Exact Sciences
Classification: Uncertain significance for BSCL2-related condition. Last evaluated: 2026-05-26. Review status: criteria provided, single submitter. Criteria: ACMG Guidelines, 2015. Collection method: clinical testing. Allele origin: germline.
Comment: The BSCL2 c.422C>T variant is predicted to result in the amino acid substitution p.Ser141Phe. To our knowledge, this variant has not been reported in the literature or in a large population database (gnomAD), indicating this variant is rare. At this time, the clinical significance of this variant is uncertain due to the absence of conclusive functional and genetic evidence.

Labcorp Genetics (formerly Invitae), Labcorp
Classification: Uncertain significance for Charcot-Marie-Tooth disease type 2. Last evaluated: 2024-10-19. Review status: criteria provided, single submitter. Criteria: Invitae Variant Classification Sherloc (09022015). Collection method: clinical testing. Allele origin: germline.
Comment: This sequence change replaces serine, which is neutral and polar, with phenylalanine, which is neutral and non-polar, at codon 77 of the BSCL2 protein (p.Ser77Phe). This variant is not present in population databases (gnomAD no frequency). This variant has not been reported in the literature in individuals affected with BSCL2-related conditions. ClinVar contains an entry for this variant (Variation ID: 805502). Invitae Evidence Modeling of protein sequence and biophysical properties (such as structural, functional, and spatial information, amino acid conservation, physicochemical variation, residue mobility, and thermodynamic stability) indicates that this missense variant is not expected to disrupt BSCL2 protein function with a negative predictive value of 80%. In summary, the available evidence is currently insufficient to determine the role of this variant in disease. Therefore, it has been classified as a Variant of Uncertain Significance.

Athena Diagnostics
Classification: Uncertain significance. Last evaluated: 2018-09-21. Review status: criteria provided, single submitter. Criteria: Athena Diagnostics Criteria. Collection method: clinical testing. Allele origin: germline.